The following is an entry in ClinVar:

NM_001846.4(COL4A2):c.3409G>A (p.Gly1137Ser)

Gene: COL4A2 (collagen type IV alpha 2 chain; plus strand). Cytogenetic location: 13q34.
Variant type: single nucleotide variant.
Coding change: c.3409G>A on transcript NM_001846.4 (MANE Select); coding-DNA position 3409, G replaced by A.
Protein change: p.Gly1137Ser; replaces glycine 1137 with serine.
Molecular consequence: missense variant.
Genome position (GRCh38, 1-based): chr13:110,491,295, G>A. VCF-style: chr13-110491295-G-A. GRCh37 (hg19) VCF-style: chr13-111143642-G-A.
Other names: c.3409G>A (NM_001846.2); short protein forms G1137S.
Identifiers: ClinVar variation 3575767 (VCV003575767.4).

ClinVar aggregate classification (germline): Conflicting classifications of pathogenicity. Review status: criteria provided, conflicting classifications (1 of 4 stars). 3 submissions from 3 submitters: Likely pathogenic (1); Uncertain significance (2). Last evaluated 2025-05-08.

Conditions:
Brain small vessel disease 2A, autosomal dominant. Also called: Porencephaly 2. Identifiers: Orphanet 2940, Orphanet 99810, MedGen C3280970, MONDO:0013773, OMIM 614483.
Hemorrhage, intracerebral, susceptibility to (ICH). Also called: Stroke, hemorrhagic, susceptibility to. Identifiers: MedGen C3281105, MONDO:0100533, OMIM 614519.

gnomAD v4.1: 5 of 1,599,116 alleles (0.00031%); highest among the groups gnomAD compares: African/African-American, 0.0013%; no homozygotes.

Submissions (3):

GeneDx
Classification: Uncertain significance. Last evaluated: 2025-05-08. Review status: criteria provided, single submitter. Criteria: GeneDx Variant Classification Process June 2021. Collection method: clinical testing. Allele origin: germline. Affected: yes.
Comment: In silico analysis supports that this missense variant has a deleterious effect on protein structure/function; Has not been previously published as pathogenic or benign to our knowledge

Labcorp Genetics (formerly Invitae), Labcorp
Classification: Uncertain significance. Last evaluated: 2024-05-12. Review status: criteria provided, single submitter. Criteria: Invitae Variant Classification Sherloc (09022015). Collection method: clinical testing. Allele origin: germline.
Comment: This sequence change replaces glycine, which is neutral and non-polar, with serine, which is neutral and polar, at codon 1137 of the COL4A2 protein (p.Gly1137Ser). This variant is not present in population databases (gnomAD no frequency). This variant has not been reported in the literature in individuals affected with COL4A2-related conditions. Advanced modeling of protein sequence and biophysical properties (such as structural, functional, and spatial information, amino acid conservation, physicochemical variation, residue mobility, and thermodynamic stability) has been performed at Invitae for this missense variant, however the output from this modeling did not meet the statistical confidence thresholds required to predict the impact of this variant on COL4A2 protein function. In summary, the available evidence is currently insufficient to determine the role of this variant in disease. Therefore, it has been classified as a Variant of Uncertain Significance.

Fulgent Genetics
Classification: Likely pathogenic for Brain small vessel disease 2A, autosomal dominant; Hemorrhage, intracerebral, susceptibility to. Last evaluated: 2024-04-19. Review status: criteria provided, single submitter. Criteria: ACMG Guidelines, 2015. Collection method: clinical testing. Allele origin: germline.